The following is an entry in ClinVar:

NM_001375567.1(FOCAD):c.3498C>G (p.Leu1166=)

Gene: FOCAD (focadhesin; plus strand). Cytogenetic location: 9p21.3.
Variant type: single nucleotide variant.
Coding change: c.3498C>G on transcript NM_001375567.1 (MANE Select); coding-DNA position 3498, C replaced by G.
Protein change: p.Leu1166=; no amino-acid change (leucine 1166 retained).
Molecular consequence: synonymous variant.
Genome position (GRCh38, 1-based): chr9:20,944,717, C>G. VCF-style: chr9-20944717-C-G. GRCh37 (hg19) VCF-style: chr9-20944716-C-G.
Other names: c.3393C>G, p.Leu1131= (NM_001375568.1, NM_001375570.1); c.3498C>G, p.Leu1166= (NM_017794.5).
Identifiers: ClinVar variation 3055197 (VCV003055197.3), dbSNP rs368622425, ClinGen allele CA190608023.

ClinVar aggregate classification (germline): Likely benign. Review status: criteria provided, single submitter (1 of 4 stars). 2 submissions from 2 submitters: Likely benign (1). 1 of the submissions does not count toward it. Last evaluated 2025-05-07.

Conditions:
FOCAD-related disorder. Also called: FOCAD-related condition.

Allele frequency attached by ClinVar (database versions not stated): gnomAD exomes below 0.00001; TOPMed 0.00002; gnomAD 0.00003; ESP Exome Variant Server 0.00008.
gnomAD v4.1: 14 of 1,613,946 alleles (0.00087%); highest among the groups gnomAD compares: African/African-American, 0.008%; no homozygotes.

Submissions (2):

Labcorp Genetics (formerly Invitae), Labcorp
Classification: Likely benign. Last evaluated: 2025-05-07. Review status: criteria provided, single submitter. Criteria: Invitae Variant Classification Sherloc (09022015). Collection method: clinical testing. Allele origin: germline.

PreventionGenetics, part of Exact Sciences
Classification: Likely benign for FOCAD-related condition. Last evaluated: 2022-06-03. Review status: no assertion criteria provided. Collection method: clinical testing. Allele origin: germline. Not counted in ClinVar's aggregate classification.
Comment: This variant is classified as likely benign based on ACMG/AMP sequence variant interpretation guidelines (Richards et al. 2015 PMID: 25741868, with internal and published modifications).